The following is an entry in ClinVar:

ClinVar aggregate classification (germline): Likely benign. Review status: criteria provided, multiple submitters, no conflicts (2 of 4 stars). 3 submissions from 3 submitters: Likely benign (2). 1 of the submissions does not count toward it. Last evaluated 2025-12-15.

Conditions:
Autism spectrum disorder. Also called: Autism spectrum disorders. Identifiers: MedGen C1510586, MeSH D000067877, MONDO:0005258.

Allele frequency attached by ClinVar (database versions not stated): gnomAD exomes 0.00001; gnomAD 0.00002; TOPMed 0.00003; ExAC 0.00005; ESP Exome Variant Server 0.00008.
gnomAD v4.1: 23 of 1,613,894 alleles (0.0014%); highest among the groups gnomAD compares: Admixed American, 0.0017%; no homozygotes.

Submissions (3):

Labcorp Genetics (formerly Invitae), Labcorp
Classification: Likely benign. Last evaluated: 2025-12-15. Review status: criteria provided, single submitter. Criteria: Invitae Variant Classification Sherloc (09022015). Collection method: clinical testing. Allele origin: germline.

CeGaT Center for Human Genetics Tuebingen
Classification: Likely benign. Last evaluated: 2022-07-01. Review status: criteria provided, single submitter. Criteria: CeGaT Center For Human Genetics Tuebingen Variant Classification Criteria Version 2. Collection method: clinical testing. Allele origin: germline. Affected: yes. Observed: 1 variant allele.
Comment: KAT6A: BP4, BS2

Gene Friend Way, National Innovation Center
Classification: Pathogenic for Autism spectrum disorder. Last evaluated: 2023-07-28. Review status: no assertion criteria provided. Collection method: clinical testing. Allele origin: unknown. Affected: yes. Observed: 1 variant allele. Not counted in ClinVar's aggregate classification.
Comment: Allelic variants of this gene are associated with an autosomal dominant form of cognitive disability. Mutations in KAT6A have been identified as the cause of "KAT6A syndrome" with major clinical features such as intellectual disability, speech delay, microcephaly, cardiac anomalies, and gastrointestinal complications (PMID: 30245513, autism and autistic features have been reported in approximately 25% of newly reported cases in this study). (PMID: 35892268) also reported one-third of patients with pathogenic KAT6A variants had a diagnosis of autism.

NM_006766.5(KAT6A):c.3661G>A (p.Glu1221Lys)

Gene: KAT6A (lysine acetyltransferase 6A; minus strand). Cytogenetic location: 8p11.21.
Variant type: single nucleotide variant.
Coding change: c.3661G>A on transcript NM_006766.5 (MANE Select); coding-DNA position 3661, G replaced by A.
Protein change: p.Glu1221Lys; replaces glutamic acid 1221 with lysine.
Molecular consequence: missense variant.
Genome position (GRCh38, 1-based): chr8:41,934,559, C>T on the plus strand (G>A on the coding strand, the complement: KAT6A is on the minus strand). VCF-style: chr8-41934559-C-T. GRCh37 (hg19) VCF-style: chr8-41792077-C-T.
Other names: short protein forms E1221K.
Identifiers: ClinVar variation 1914854 (VCV001914854.32), dbSNP rs139494583, ClinGen allele CA4729635.